The following is an entry in ClinVar:

NM_000059.4(BRCA2):c.6645_6649del (p.Tyr2215_Lys2217delinsTer)

Gene: BRCA2 (BRCA2 DNA repair associated; plus strand). Cytogenetic location: 13q13.1.
Variant type: Deletion.
Coding change: c.6645_6649del on transcript NM_000059.4 (MANE Select); coding-DNA positions 6645 to 6649, 5 bases deleted (CTCCA; older notation c.6645_6649delCTCCA).
Protein change: p.Tyr2215_Lys2217delinsTer.
Molecular consequence: nonsense.
Genome position (GRCh38, 1-based): chr13:32,341,000-32,341,004, CTCCA deleted; deleting any 5 consecutive bases within chr13:32,340,999-32,341,004 gives the same sequence; the c. name uses the placement nearest the transcript's 3' end. VCF-style (leftmost placement, unchanged base first): chr13-32340998-TACTCC-T. GRCh37 (hg19) VCF-style: chr13-32915135-TACTCC-T.
Other names: 6872del4; c.6645_6649delCTCCA (NM_000059.3).
Identifiers: ClinVar variation 254587 (VCV000254587.2), dbSNP rs606231404, ClinGen allele CA024252.

ClinVar aggregate classification (germline): Pathogenic. Review status: reviewed by expert panel (3 of 4 stars). 2 submissions from 2 submitters: Pathogenic (1). 1 of the submissions does not count toward it. Last evaluated 2016-09-08.

Conditions:
Breast-ovarian cancer, familial, susceptibility to, 2 (BROVCA2). Also called: BRCA2 Hereditary Breast and Ovarian Cancer. Identifiers: Orphanet 145, MedGen C2675520, MONDO:0012933, OMIM 612555. Disease mechanism: loss of function.

Submissions (2):

Evidence-based Network for the Interpretation of Germline Mutant Alleles (ENIGMA)
Classification: Pathogenic for Breast-ovarian cancer, familial, susceptibility to, 2. Last evaluated: 2016-09-08. Review status: reviewed by expert panel. Criteria: ENIGMA BRCA1/2 Classification Criteria (2015). Collection method: curation. Allele origin: germline.
Comment: Variant allele predicted to encode a truncated non-functional protein.

Breast Cancer Information Core (BIC) (BRCA2)
Classification: Pathogenic for Breast-ovarian cancer, familial 2. Last evaluated: 2013-05-21. Review status: no assertion criteria provided. Collection method: clinical testing. Allele origin: germline. Affected: yes. Observed: 1 variant allele. Not counted in ClinVar's aggregate classification.